The following is an entry in ClinVar:

NM_001283009.2(RTEL1):c.1034G>A (p.Gly345Glu)

Genes: RTEL1 (regulator of telomere elongation helicase 1; plus strand), RTEL1-TNFRSF6B (RTEL1-TNFRSF6B readthrough (NMD candidate); plus strand). Cytogenetic location: 20q13.33.
Variant type: single nucleotide variant.
Coding change: c.1034G>A on transcript NM_001283009.2 (MANE Select); coding-DNA position 1034, G replaced by A.
Protein change: p.Gly345Glu; replaces glycine 345 with glutamic acid.
Molecular consequence: missense variant. On other transcripts: non-coding transcript variant (1).
Genome position (GRCh38, 1-based): chr20:63,678,343, G>A. VCF-style: chr20-63678343-G-A. GRCh37 (hg19) VCF-style: chr20-62309696-G-A.
Other names: c.365G>A, p.Gly122Glu (NM_001283010.1); c.1034G>A, p.Gly345Glu (NM_016434.4); c.1106G>A, p.Gly369Glu (NM_032957.5); short protein forms G122E, G345E, G369E.
Identifiers: ClinVar variation 3791048 (VCV003791048.1).
Genomic context (GRCh38, chr20:63,678,343, plus strand): 5'-TGGAGGGGGCCATCGATGCTGTTGAGCTGCCTGGAGACGACAGCGGTGTCACCAAGCCAG[G>A]GAGGTGAGAGGCGGGGAGCCAGCCCCTTCACTGCAGGCCCAGCCTAGAGCTAGAAACGGG-3'
Protein context (NP_001269938.1, residues 335-355): PGDDSGVTKP[Gly345Glu]SYIFELFAEA

ClinVar aggregate classification (germline): Uncertain significance (1 of 4 stars; one submission).

Conditions:
Inborn genetic diseases. Identifiers: MedGen C0950123, MeSH D030342.

Submission:

Ambry Genetics
Classification: Uncertain significance for Inborn genetic diseases. Last evaluated: 2025-01-09. Review status: criteria provided, single submitter. Criteria: Ambry Variant Classification Scheme 2023. Collection method: clinical testing. Allele origin: germline.
Comment: The p.G345E variant (also known as c.1034G>A), located in coding exon 11 of the RTEL1 gene, results from a G to A substitution at nucleotide position 1034. The glycine at codon 345 is replaced by glutamic acid, an amino acid with similar properties. This amino acid position is conserved. In addition, this alteration is predicted to be deleterious by in silico analysis. Based on the available evidence, the clinical significance of this variant remains unclear.